The following is an entry in ClinVar:

ClinVar aggregate classification (germline): Uncertain significance (1 of 4 stars; one submission).

Allele frequency attached by ClinVar (database versions not stated): TOPMed 0.00002.
gnomAD v4.1: 7 of 1,351,092 alleles (0.00052%); highest among the groups gnomAD compares: South Asian, 0.0015%; no homozygotes.

Submissions (2):

Labcorp Genetics (formerly Invitae), Labcorp
Classification: Uncertain significance. Last evaluated: 2022-06-13. Review status: criteria provided, single submitter. Criteria: Invitae Variant Classification Sherloc (09022015). Collection method: clinical testing. Allele origin: germline.
Comment: In summary, the available evidence is currently insufficient to determine the role of this variant in disease. Therefore, it has been classified as a Variant of Uncertain Significance. Algorithms developed to predict the effect of sequence changes on RNA splicing suggest that this variant may disrupt the consensus splice site. This variant has not been reported in the literature in individuals affected with PLK4-related conditions. This variant is present in population databases (rs372101886, gnomAD 0.004%). This sequence change falls in intron 8 of the PLK4 gene. It does not directly change the encoded amino acid sequence of the PLK4 protein.

Dr. Peter K. Rogan Lab, Western University
No classification provided (evidence only). Condition: Cervical cancer. Review status: no classification provided. Collection method: in vitro. Allele origin: not applicable. Functional consequence: skipped exon. Not counted in ClinVar's aggregate classification.

NM_014264.5(PLK4):c.1936-10C>A

Gene: PLK4 (polo like kinase 4; plus strand). Cytogenetic location: 4q28.1.
Variant type: single nucleotide variant.
Coding change: c.1936-10C>A on transcript NM_014264.5 (MANE Select); 10 bases into the intron before coding-DNA position 1936, C replaced by A.
Molecular consequence: intron variant.
Genome position (GRCh38, 1-based): chr4:127,891,569, C>A. VCF-style: chr4-127891569-C-A. GRCh37 (hg19) VCF-style: chr4-128812724-C-A.
Other names: c.1840-10C>A (NM_001190799.2); c.1813-10C>A (NM_001190801.2).
Identifiers: ClinVar variation 1483107 (VCV001483107.9), dbSNP rs372101886, ClinGen allele CA3076907.
Genomic context (GRCh38, chr4:127,891,569, plus strand): 5'-ACGTTTTAGCAAGATATAGTACTGGAACTTAATGGCATGTAATTAGAATTTTAAAAAAAT[C>A]TTTTGGCAGATCACTATTTATTATCCAAATGGTGGTAGAGGTTTTCCTCTTGCTGATAGA-3'